The following is an entry in ClinVar:

ClinVar aggregate classification (germline): Likely benign. Review status: criteria provided, multiple submitters, no conflicts (2 of 4 stars). 6 submissions from 6 submitters: Likely benign (5). 1 of the submissions does not count toward it. Last evaluated 2026-02-01.

Conditions:
PLEC-related disorder. Also called: PLEC-related disorders; PLEC-related condition.
Epidermolysis bullosa simplex with nail dystrophy (EBS5D). Identifiers: MedGen C4225309, MONDO:0014661, OMIM 616487.
Epidermolysis bullosa simplex 5C, with pyloric atresia (EBS5C). Also called: PLEC-Related Epidermolysis Bullosa with Pyloric Atresia; Epidermolysis bullosa simplex with pyloric atresia; PLEC1-Related Epidermolysis Bullosa with Pyloric Atresia. Identifiers: Orphanet 158684, MedGen C2677349, MONDO:0012807, OMIM 612138.
Epidermolysis bullosa simplex 5B, with muscular dystrophy (EBS5B). Also called: EPIDERMOLYSIS BULLOSA SIMPLEX AND LIMB-GIRDLE MUSCULAR DYSTROPHY; Epidermolysis bullosa simplex with muscular dystrophy. Identifiers: Orphanet 257, MedGen C2931072, MONDO:0009181, OMIM 226670.
Autosomal recessive limb-girdle muscular dystrophy type 2Q (LGMDR17). Also called: MUSCULAR DYSTROPHY, LIMB-GIRDLE, AUTOSOMAL RECESSIVE 17. Identifiers: Orphanet 254361, MedGen C3150989, MONDO:0013390, OMIM 613723.
Epidermolysis bullosa simplex, Ogna type (EBS5A). Also called: Pidermolysis bullosa simplex 5A, Ogna type; EPIDERMOLYSIS BULLOSA SIMPLEX 5A, OGNA TYPE. Identifiers: Orphanet 79401, MedGen C0432317, MONDO:0007555, OMIM 131950.

Allele frequency attached by ClinVar (database versions not stated): 1000 Genomes Project 0.00020; gnomAD 0.00025 and 0.00014; 1000 Genomes Project 30x 0.00016; gnomAD exomes 0.00085 and 0.00053; TOPMed 0.00019; ExAC 0.00167.
gnomAD v4.1: 782 of 1,546,130 alleles (0.051%); highest among the groups gnomAD compares: South Asian, 0.48%; 4 homozygotes.

Submissions (6):

CeGaT Center for Human Genetics Tuebingen
Classification: Likely benign. Last evaluated: 2026-02-01. Review status: criteria provided, single submitter. Criteria: CeGaT Center For Human Genetics Tuebingen Variant Classification Criteria Version 2. Collection method: clinical testing. Allele origin: germline. Affected: yes. Observed: 4 variant alleles.
Comment: PLEC: BS2

Labcorp Genetics (formerly Invitae), Labcorp
Classification: Likely benign for Autosomal recessive limb-girdle muscular dystrophy type 2Q; Epidermolysis bullosa simplex, Ogna type; Epidermolysis bullosa simplex with nail dystrophy; Epidermolysis bullosa simplex 5C, with pyloric atresia; Epidermolysis bullosa simplex 5B, with muscular dystrophy. Last evaluated: 2026-01-18. Review status: criteria provided, single submitter. Criteria: Invitae Variant Classification Sherloc (09022015). Collection method: clinical testing. Allele origin: germline.

GeneDx
Classification: Likely benign. Last evaluated: 2021-03-20. Review status: criteria provided, single submitter. Criteria: GeneDx Variant Classification Process June 2021. Collection method: clinical testing. Allele origin: germline. Affected: yes.
Comment: This variant is associated with the following publications: (PMID: 33250842)

Athena Diagnostics
Classification: Likely benign. Last evaluated: 2019-01-28. Review status: criteria provided, single submitter. Criteria: Athena Diagnostics Criteria. Collection method: clinical testing. Allele origin: germline.

Eurofins Ntd Llc (ga)
Classification: Likely benign. Last evaluated: 2017-03-05. Review status: criteria provided, single submitter. Criteria: EGL Classification Definitions 2015. Collection method: clinical testing. Allele origin: germline. Observed: 6 variant alleles, 6 heterozygotes.

PreventionGenetics, part of Exact Sciences
Classification: Likely benign for PLEC-related condition. Last evaluated: 2020-12-09. Review status: no assertion criteria provided. Collection method: clinical testing. Allele origin: germline. Not counted in ClinVar's aggregate classification.
Comment: This variant is classified as likely benign based on ACMG/AMP sequence variant interpretation guidelines (Richards et al. 2015 PMID: 25741868, with internal and published modifications).

NM_201384.3(PLEC):c.5443C>T (p.Arg1815Trp)

Gene: PLEC (plectin; minus strand). Cytogenetic location: 8q24.3.
Variant type: single nucleotide variant.
Coding change: c.5443C>T on transcript NM_201384.3 (MANE Select); coding-DNA position 5443, C replaced by T.
Protein change: p.Arg1815Trp; replaces arginine 1815 with tryptophan.
Molecular consequence: missense variant.
Genome position (GRCh38, 1-based): chr8:143,924,486, G>A on the plus strand (C>T on the coding strand, the complement: PLEC is on the minus strand). VCF-style: chr8-143924486-G-A. GRCh37 (hg19) VCF-style: chr8-144998654-G-A.
Other names: c.5524C>T, p.Arg1842Trp (NM_000445.5); c.5401C>T, p.Arg1801Trp (NM_201378.4); c.5377C>T, p.Arg1793Trp (NM_201379.3); c.5854C>T, p.Arg1952Trp (NM_201380.4); c.5347C>T, p.Arg1783Trp (NM_201381.3); c.5443C>T, p.Arg1815Trp (NM_201382.4); c.5455C>T, p.Arg1819Trp (NM_201383.3); short protein forms R1783W, R1793W, R1801W, R1815W, R1819W, R1842W, R1952W.
Identifiers: ClinVar variation 93062 (VCV000093062.85), dbSNP rs398123400, ClinGen allele CA220919.